The following is an entry in ClinVar:

ClinVar aggregate classification (germline): Uncertain significance (1 of 4 stars; one submission).

Submission:

Labcorp Genetics (formerly Invitae), Labcorp
Classification: Uncertain significance. Last evaluated: 2022-11-23. Review status: criteria provided, single submitter. Criteria: Invitae Variant Classification Sherloc (09022015). Collection method: clinical testing. Allele origin: germline.
Comment: This sequence change replaces asparagine, which is neutral and polar, with aspartic acid, which is acidic and polar, at codon 1811 of the POLE protein (p.Asn1811Asp). This variant is not present in population databases (gnomAD no frequency). This variant has not been reported in the literature in individuals affected with POLE-related conditions. Advanced modeling of protein sequence and biophysical properties (such as structural, functional, and spatial information, amino acid conservation, physicochemical variation, residue mobility, and thermodynamic stability) performed at Invitae indicates that this missense variant is not expected to disrupt POLE protein function. In summary, the available evidence is currently insufficient to determine the role of this variant in disease. Therefore, it has been classified as a Variant of Uncertain Significance.

NM_006231.4(POLE):c.5431A>G (p.Asn1811Asp)

Gene: POLE (DNA polymerase epsilon, catalytic subunit; minus strand). Cytogenetic location: 12q24.33.
Variant type: single nucleotide variant.
Coding change: c.5431A>G on transcript NM_006231.4 (MANE Select); coding-DNA position 5431, A replaced by G.
Protein change: p.Asn1811Asp; replaces asparagine 1811 with aspartic acid.
Molecular consequence: missense variant.
Genome position (GRCh38, 1-based): chr12:132,639,246, T>C on the plus strand (A>G on the coding strand, the complement: POLE is on the minus strand). VCF-style: chr12-132639246-T-C. GRCh37 (hg19) VCF-style: chr12-133215832-T-C.
Other names: short protein forms N1811D.
Identifiers: ClinVar variation 2816059 (VCV002816059.3), dbSNP rs2138510577, ClinGen allele CA387374893.